The following is an entry in ClinVar:

ClinVar aggregate classification (germline): Pathogenic (1 of 4 stars; one submission).

Conditions:
Deficiency of UDPglucose-hexose-1-phosphate uridylyltransferase. Also called: GALACTOSEMIA I; GALT deficiency; Galactosemia, classic; Transferase Deficiency Galactosemia; GALACTOSE-1-PHOSPHATE URIDYLYLTRANSFERASE DEFICIENCY. Identifiers: Orphanet 352, Orphanet 79239, MedGen C0268151, MONDO:0009258, OMIM 230400.

Submission:

Biochemical Genetics Department, Cyprus Institute of Neurology and Genetics
Classification: Pathogenic for Deficiency of UDPglucose-hexose-1-phosphate uridylyltransferase. Review status: criteria provided, single submitter. Criteria: ACMG Guidelines, 2015. Collection method: clinical testing. Allele origin: germline. Inheritance: Autosomal recessive inheritance. Affected: yes and no. Observed: 15 variant alleles, 9 heterozygotes, 3 compound heterozygotes, 3 homozygotes. Clinical features observed: craniosynostosis.
Comment: This deletion eliminates all GALT exons as well as the non-translated sequences of the adjacent interleukin 11 receptor alpha (IL11RA) gene causing classic galactosemia with additional phenotypic abnormalities such as craniosynostosis (Papachristoforou et al., 2014). Similar deletions of the entire GALT sequence have been also reported in individuals affected with galactosemia (Berry et al., 2001; Bosch et al., 2005; Coffee et al., 2006). Previous reports implicate mutations in the IL11RA gene as being responsible for craniosynostosis (Coussens et al., 2008; Nieminen et al., 2011).The RNA expression studies showed lack of IL11RA transcripts in the patients. These findings strongly suggest that the new deletion simultaneously eliminates GALT and IL11RA expression (contiguous deletion) and for these reasons, this variant meets our criteria to be classified as Pathogenic.

NC000009.12:g.(34646588_34655077)del

Gene: GALT (galactose-1-phosphate uridylyltransferase; plus strand).
Variant type: Deletion.
Identifiers: ClinVar variation 1299297 (VCV001299297.3).